The following is an entry in ClinVar:

ClinVar aggregate classification (germline): Uncertain significance. Review status: criteria provided, multiple submitters, no conflicts (2 of 4 stars). 2 submissions from 2 submitters: Uncertain significance (2). Last evaluated 2024-08-27.

Conditions:
Neuroblastoma, susceptibility to, 3. Also called: ALK-Related Neuroblastic Tumor Susceptibility. Identifiers: Orphanet 635, MedGen C2751681, MONDO:0013083, OMIM 613014.
Hereditary cancer-predisposing syndrome. Also called: Hereditary neoplastic syndrome; Neoplastic Syndromes, Hereditary; Hereditary Cancer Syndrome; Tumor predisposition. Identifiers: Orphanet 140162, MedGen C0027672, MeSH D009386, MONDO:0015356.

Allele frequency attached by ClinVar (database versions not stated): TOPMed below 0.00001.

Submissions (2):

Labcorp Genetics (formerly Invitae), Labcorp
Classification: Uncertain significance for Neuroblastoma, susceptibility to, 3. Last evaluated: 2024-08-27. Review status: criteria provided, single submitter. Criteria: Invitae Variant Classification Sherloc (09022015). Collection method: clinical testing. Allele origin: germline.
Comment: This sequence change replaces glutamine, which is neutral and polar, with histidine, which is basic and polar, at codon 212 of the ALK protein (p.Gln212His). This variant is not present in population databases (gnomAD no frequency). This variant has not been reported in the literature in individuals affected with ALK-related conditions. An algorithm developed to predict the effect of missense changes on protein structure and function (PolyPhen-2) suggests that this variant is likely to be tolerated. In summary, the available evidence is currently insufficient to determine the role of this variant in disease. Therefore, it has been classified as a Variant of Uncertain Significance.

Ambry Genetics
Classification: Uncertain significance for Hereditary cancer-predisposing syndrome. Last evaluated: 2024-03-08. Review status: criteria provided, single submitter. Criteria: Ambry Variant Classification Scheme 2023. Collection method: clinical testing. Allele origin: germline.
Comment: The p.Q212H variant (also known as c.636G>T), located in coding exon 1 of the ALK gene, results from a G to T substitution at nucleotide position 636. The glutamine at codon 212 is replaced by histidine, an amino acid with highly similar properties. This amino acid position is conserved. In addition, this alteration is predicted to be tolerated by in silico analysis. Based on the available evidence, the clinical significance of this alteration remains unclear.

NM_004304.5(ALK):c.636G>T (p.Gln212His)

Gene: ALK (ALK receptor tyrosine kinase; minus strand). Cytogenetic location: 2p23.1.
Variant type: single nucleotide variant.
Coding change: c.636G>T on transcript NM_004304.5 (MANE Select); coding-DNA position 636, G replaced by T.
Protein change: p.Gln212His; replaces glutamine 212 with histidine.
Molecular consequence: missense variant.
Genome position (GRCh38, 1-based): chr2:29,920,024, C>A on the plus strand (G>T on the coding strand, the complement: ALK is on the minus strand). VCF-style: chr2-29920024-C-A. GRCh37 (hg19) VCF-style: chr2-30142890-C-A.
Other names: c.636G>T (NM_004304.4); short protein forms Q212H.
Identifiers: ClinVar variation 2722689 (VCV002722689.4), dbSNP rs1022137238, ClinGen allele CA45004742.
Genomic context (GRCh38, chr2:29,920,024, plus strand): 5'-CCCGGCACACTCAGGCGGGAGCTGCTCACCAGTCCCGAAGATCTGGAAGAGAAGGCGGGG[C>A]TGGGAGGCGCGAATTGCCGCGGACAGCCTTCCCTCTCTGCCCACTTCCGACGCCTTCTTC-3'
Protein context (NP_004295.2, residues 202-222): GRLSAAIRAS[Gln212His]PRLLFQIFGT